The following is an entry in ClinVar:

ClinVar aggregate classification (germline): Likely pathogenic (1 of 4 stars; one submission).

Conditions:
Mitochondrial neurogastrointestinal encephalomyopathy. Also called: Mitochondrial neurogastrointestinal encephalopathy syndrome; MNGIE syndrome; Thymidine phosphorylase deficiency. Identifiers: Orphanet 298, MedGen C0872218, MONDO:0017575.

Submission:

Natera, Inc.
Classification: Likely pathogenic for Mitochondrial neurogastrointestinal encephalomyopathy. Last evaluated: 2024-04-10. Review status: criteria provided, single submitter. Criteria: Natera Variant Classification Schema (03/2026). Collection method: clinical testing. Allele origin: germline.
Comment: The c.418-1G>T variant in TYMP is a canonical splice acceptor site variant predicted to affect pre-mRNA splicing, which may result in an abnormal transcript and altered protein product. This variant is expected to result in nonsense mediated decay, truncation, or a dysfunctional protein product. This variant is rare in the general population with a frequency below the threshold expected for the associated phenotype(s). Given the available evidence, this variant is classified as Likely Pathogenic.

NM_001953.5(TYMP):c.418-1G>T

Gene: TYMP (thymidine phosphorylase; minus strand). Cytogenetic location: 22q13.33.
Variant type: single nucleotide variant.
Coding change: c.418-1G>T on transcript NM_001953.5 (MANE Select); the canonical splice acceptor site of the intron before coding-DNA position 418, G replaced by T.
Molecular consequence: splice acceptor variant.
Genome position (GRCh38, 1-based): chr22:50,528,611, C>A on the plus strand (G>T on the coding strand, the complement: TYMP is on the minus strand). VCF-style: chr22-50528611-C-A. GRCh37 (hg19) VCF-style: chr22-50967040-C-A.
Other names: c.418-1G>T (NM_001257989.1, NM_001257988.1, NM_001113755.3 and 1 more transcripts).
Identifiers: ClinVar variation 4814989 (VCV004814989.1).